The following is an entry in ClinVar:

NM_018051.5(DYNC2I1):c.574-10T>A

Gene: DYNC2I1 (dynein 2 intermediate chain 1; plus strand). Cytogenetic location: 7q36.3.
Variant type: single nucleotide variant.
Coding change: c.574-10T>A on transcript NM_018051.5 (MANE Select); 10 bases into the intron before coding-DNA position 574, T replaced by A.
Molecular consequence: intron variant.
Genome position (GRCh38, 1-based): chr7:158,879,674, T>A. VCF-style: chr7-158879674-T-A. GRCh37 (hg19) VCF-style: chr7-158672365-T-A.
Other names: c.436-10T>A (NM_001350914.2); c.-912-10T>A (NM_001350918.2); c.-793-10T>A (NM_001350917.2); c.-785-10T>A (NM_001350916.2); c.57-10T>A (NM_001350915.2).
Identifiers: ClinVar variation 848056 (VCV000848056.9), dbSNP rs188181596, ClinGen allele CA4594342.

ClinVar aggregate classification (germline): Uncertain significance (1 of 4 stars; one submission).

Conditions:
Short-rib thoracic dysplasia 8 with or without polydactyly (SRTD8). Also called: SHORT-RIB THORACIC DYSPLASIA 8 WITH POLYDACTYLY. Identifiers: Orphanet 93271, MedGen C3809691, MONDO:0014214, OMIM 615503.

Allele frequency attached by ClinVar (database versions not stated): gnomAD 0.00001 and 0.00002; TOPMed 0.00001; gnomAD exomes 0.00002; ExAC 0.00003; 1000 Genomes Project 0.00040; 1000 Genomes Project 30x 0.00047.
gnomAD v4.1: 10 of 1,559,010 alleles (0.00064%); highest among the groups gnomAD compares: Admixed American, 0.021%; no homozygotes.

Submission:

Labcorp Genetics (formerly Invitae), Labcorp
Classification: Uncertain significance for Short-rib thoracic dysplasia 8 with or without polydactyly. Last evaluated: 2022-08-23. Review status: criteria provided, single submitter. Criteria: Invitae Variant Classification Sherloc (09022015). Collection method: clinical testing. Allele origin: germline.
Comment: This variant has not been reported in the literature in individuals affected with WDR60-related conditions. This variant is present in population databases (rs188181596, gnomAD 0.02%). This sequence change falls in intron 4 of the WDR60 gene. It does not directly change the encoded amino acid sequence of the WDR60 protein. ClinVar contains an entry for this variant (Variation ID: 848056). In summary, the available evidence is currently insufficient to determine the role of this variant in disease. Therefore, it has been classified as a Variant of Uncertain Significance. Algorithms developed to predict the effect of sequence changes on RNA splicing suggest that this variant may disrupt the consensus splice site.